The following is an entry in ClinVar:

ClinVar aggregate classification (germline): Benign. Review status: reviewed by expert panel (3 of 4 stars). 30 submissions from 29 submitters: Benign (1). 29 of the submissions do not count toward it. Last evaluated 2015-08-10.

Conditions:
Inherited breast cancer and ovarian cancer.
Breast and/or ovarian cancer. Identifiers: MedGen CN221562.
Hereditary cancer-predisposing syndrome. Also called: Hereditary Cancer Syndrome; Tumor predisposition; Neoplastic Syndromes, Hereditary; Hereditary neoplastic syndrome. Identifiers: Orphanet 140162, MedGen C0027672, MeSH D009386, MONDO:0015356.
Breast neoplasm. Also called: Breast Neoplasms; Neoplasm of the breast; Neoplasm of breast; Breast tumor. Identifiers: MedGen C1458155, MeSH D001943, MONDO:0021100, HP:0100013. Disease mechanism: gain of function.
Hereditary breast ovarian cancer syndrome. Also called: Breast and ovarian cancer; BRCA1- and BRCA2-Associated Hereditary Breast and Ovarian Cancer; Hereditary breast and ovarian cancer; Hereditary breast and ovarian cancer syndrome (HBOC); Hereditary breast and ovarian cancer syndrome; Hereditary breast and/or ovarian cancer syndrome. Identifiers: Orphanet 145, MedGen C0677776, MeSH D061325, MONDO:0003582. Disease mechanism: loss of function.
Breast-ovarian cancer, familial, susceptibility to, 2 (BROVCA2). Also called: BRCA2 Hereditary Breast and Ovarian Cancer. Identifiers: Orphanet 145, MedGen C2675520, MONDO:0012933, OMIM 612555. Disease mechanism: loss of function.

Allele frequency attached by ClinVar (database versions not stated): gnomAD 0.00012 and 0.00014; gnomAD exomes 0.00014 and 0.00011; TOPMed 0.00014; ESP Exome Variant Server 0.00023; ExAC 0.00012.
gnomAD v4.1: 194 of 1,604,652 alleles (0.012%); highest among the groups gnomAD compares: Middle Eastern, 0.066%; no homozygotes.

Submissions 1 to 18 of 30:

Evidence-based Network for the Interpretation of Germline Mutant Alleles (ENIGMA)
Classification: Benign for Breast-ovarian cancer, familial 2. Last evaluated: 2015-08-10. Review status: reviewed by expert panel. Criteria: ENIGMA BRCA1/2 Classification Criteria (2015). Collection method: curation. Allele origin: germline.
Comment: IARC class based on posterior probability from multifactorial likelihood analysis, thresholds for class as per Plon et al. 2008 (PMID: 18951446). Class 1 based on posterior probability = 0.0000803

Labcorp Genetics (formerly Invitae), Labcorp
Classification: Benign for Hereditary breast ovarian cancer syndrome. Last evaluated: 2026-02-03. Review status: criteria provided, single submitter. Criteria: Invitae Variant Classification Sherloc (09022015). Collection method: clinical testing. Allele origin: germline. Not counted in ClinVar's aggregate classification.

Cambridge Genomics Laboratory, East Genomic Laboratory Hub, NHS Genomic Medicine Service
Classification: Benign for Inherited breast cancer and ovarian cancer. Last evaluated: 2026-01-12. Review status: criteria provided, single submitter. Criteria: ACGS Best Practice Guidelines for Variant Classification in Rare Disease 2020. Collection method: clinical testing. Allele origin: germline. Affected: yes. Not counted in ClinVar's aggregate classification.
Comment: BP1,BP4,BP5_Very Strong

Dasa
Classification: Benign for Breast-ovarian cancer, familial, susceptibility to, 2. Last evaluated: 2025-11-16. Review status: criteria provided, single submitter. Criteria: DASA Assertion Criteria. Collection method: clinical testing. Allele origin: germline. Not counted in ClinVar's aggregate classification.
Comment: NM_000059.4(BRCA2):c.4061C>T (p.Thr1354Met) is interpreted based on available population and clinical evidence, including population frequency and no convincing observation in affected individuals. Based on the available data, this variant is classified as benign.

CeGaT Center for Human Genetics Tuebingen
Classification: Likely benign. Last evaluated: 2025-09-01. Review status: criteria provided, single submitter. Criteria: CeGaT Center For Human Genetics Tuebingen Variant Classification Criteria Version 2. Collection method: clinical testing. Allele origin: germline. Affected: yes. Observed: 10 variant alleles. Not counted in ClinVar's aggregate classification.
Comment: BRCA2: BP4, BS1

Center for Genomic Medicine, Rigshospitalet, Copenhagen University Hospital
Classification: Benign. Last evaluated: 2025-03-04. Review status: criteria provided, single submitter. Criteria: ACMG Guidelines, 2015. Collection method: clinical testing. Allele origin: germline. Not counted in ClinVar's aggregate classification.

ARUP Laboratories, Molecular Genetics and Genomics, ARUP Laboratories
Classification: Benign. Last evaluated: 2024-10-18. Review status: criteria provided, single submitter. Criteria: ARUP Molecular Germline Variant Investigation Process 2024. Collection method: clinical testing. Allele origin: germline. Not counted in ClinVar's aggregate classification.

Blueprint Genetics
Classification: Likely benign. Last evaluated: 2024-01-18. Review status: criteria provided, single submitter. Criteria: ACMG Guidelines, 2015. Collection method: clinical testing. Allele origin: germline. Not counted in ClinVar's aggregate classification.

Institute for Biomarker Research, Medical Diagnostic Laboratories, L.L.C.
Classification: Likely benign for Hereditary breast ovarian cancer syndrome. Last evaluated: 2023-08-04. Review status: criteria provided, single submitter. Criteria: ACMG Guidelines, 2015. Collection method: clinical testing. Allele origin: germline. Not counted in ClinVar's aggregate classification.

KCCC/NGS Laboratory, Kuwait Cancer Control Center
Classification: Benign for Breast-ovarian cancer, familial, susceptibility to, 2. Last evaluated: 2023-07-07. Review status: criteria provided, single submitter. Criteria: ACMG Guidelines, 2015. Collection method: clinical testing. Allele origin: germline. Affected: yes. Not counted in ClinVar's aggregate classification.

CHEO Genetics Diagnostic Laboratory, Children's Hospital of Eastern Ontario
Classification: Likely benign for Breast and/or ovarian cancer. Last evaluated: 2021-06-08. Review status: criteria provided, single submitter. Criteria: ACMG Guidelines, 2015. Collection method: clinical testing. Allele origin: germline. Not counted in ClinVar's aggregate classification.

Sema4
Classification: Likely benign for Hereditary cancer-predisposing syndrome. Last evaluated: 2021-05-19. Review status: criteria provided, single submitter. Criteria: Sema4 Curation Guidelines. Collection method: curation. Allele origin: germline. Not counted in ClinVar's aggregate classification.

GeneDx
Classification: Likely benign. Last evaluated: 2021-03-22. Review status: criteria provided, single submitter. Criteria: GeneDx Variant Classification Process June 2021. Collection method: clinical testing. Allele origin: germline. Affected: yes. Not counted in ClinVar's aggregate classification.
Comment: This variant is associated with the following publications: (PMID: 17924331, 12845657, 21520273, 21156238, 21990134, 24055113, 25637381, 24323938, 24728327, 26306726, 11336395, 20104584, 16847550, 20960228, 26689913, 24504028, 27153395, 28202063)

Women's Health and Genetics/Laboratory Corporation of America, LabCorp
Classification: Benign. Last evaluated: 2019-12-20. Review status: criteria provided, single submitter. Criteria: LabCorp Variant Classification Summary - May 2015. Collection method: clinical testing. Allele origin: germline. Not counted in ClinVar's aggregate classification.
Comment: Variant summary: BRCA2 c.4061C>T (p.Thr1354Met) results in a non-conservative amino acid change in the encoded protein sequence. Three of five in-silico tools predict a benign effect of the variant on protein function. The variant allele was found at a frequency of 0.00014 in 243646 control chromosomes (gnomAD and literature). This frequency is not significantly higher than expected for a pathogenic variant in BRCA2 causing Hereditary Breast and Ovarian Cancer (0.00014 vs 0.00075), allowing no conclusion about variant significance. The variant, c.4061C>T has been reported in the literature in individuals affected with Hereditary Breast and Ovarian Cancer (e.g. Arver_2001 , Capalbo_2006 , deSanjose_2003 , Laitman_2011) without strong evidence for causality. Cosegregation studies in a family with a history of breast cancer found that this variant did not segregate with disease (Jalkh_2017). Co-occurrences with other pathogenic variants have been reported [BRCA1 c.2071_2071delA, p.Arg691Aspfs (BIC database), CDH1 c.3G>A, p.Met1Ile (Jalkh_2017)], providing supporting evidence for a benign role. Ten other submitters including one expert panel (ENIGMA) have provided clinical-significance assessments for this variant in ClinVar after 2014 (without evidence for independent evaluation), and classified the variant as benign (n=3) or likely benign (n=7). Based on the evidence outlined above, the variant was classified as benign.

Mendelics
Classification: Likely benign for Breast-ovarian cancer, familial, susceptibility to, 2. Last evaluated: 2019-05-28. Review status: criteria provided, single submitter. Criteria: Mendelics Assertion Criteria 2017. Collection method: clinical testing. Allele origin: unknown. Not counted in ClinVar's aggregate classification.

Institute for Genomic Medicine (IGM) Clinical Laboratory, Nationwide Children's Hospital
Classification: Likely benign. Last evaluated: 2017-12-29. Review status: criteria provided, single submitter. Criteria: ACMG Guidelines, 2015. Collection method: clinical testing. Allele origin: germline. Not counted in ClinVar's aggregate classification.
Comment: BP1, BP4, BP6; This alteration is a missense alteration in a gene for which primarily truncating variants are known to cause disease, is predicted to be tolerated by multiple functional prediction tools, and was reported as a benign/likely benign alteration by a reputable source (ClinVar or other correspondence from a clinical testing laboratory).

Institute for Biomarker Research, Medical Diagnostic Laboratories, L.L.C.
Classification: Likely benign for Hereditary cancer-predisposing syndrome. Last evaluated: 2017-07-12. Review status: criteria provided, single submitter. Criteria: ACMG Guidelines, 2015. Collection method: clinical testing. Allele origin: germline. Not counted in ClinVar's aggregate classification.

Genetic Services Laboratory, University of Chicago
Classification: Likely benign. Last evaluated: 2016-04-15. Review status: criteria provided, single submitter. Criteria: ACMG Guidelines, 2015. Collection method: clinical testing. Allele origin: germline. Affected: no. Not counted in ClinVar's aggregate classification.

NM_000059.4(BRCA2):c.4061C>T (p.Thr1354Met)

Gene: BRCA2 (BRCA2 DNA repair associated; plus strand). Cytogenetic location: 13q13.1.
Variant type: single nucleotide variant.
Coding change: c.4061C>T on transcript NM_000059.4 (MANE Select); coding-DNA position 4061, C replaced by T.
Protein change: p.Thr1354Met; replaces threonine 1354 with methionine.
Molecular consequence: missense variant.
Genome position (GRCh38, 1-based): chr13:32,338,416, C>T. VCF-style: chr13-32338416-C-T. GRCh37 (hg19) VCF-style: chr13-32912553-C-T.
Other names: p.T1354M:ACG>ATG; 4289C>T; short protein forms T1354M.
Identifiers: ClinVar variation 51588 (VCV000051588.80), dbSNP rs80358656, ClinGen allele CA019451.
Genomic context (GRCh38, chr13:32,338,416, plus strand): 5'-TAGAATTTGATGGCAGTGATTCAAGTAAAAATGATACTGTTTGTATTCATAAAGATGAAA[C>T]GGACTTGCTATTTACTGATCAGCACAACATATGTCTTAAATTATCTGGCCAGTTTATGAA-3'
Protein context (NP_000050.3, residues 1344-1364): NDTVCIHKDE[Thr1354Met]DLLFTDQHNI